The following is an entry in ClinVar:

ClinVar aggregate classification (germline): Uncertain significance (1 of 4 stars; one submission).

Conditions:
Cohen syndrome (COH1). Also called: Cutis verticis gyrata, retinitis pigmentosa, and sensorineural deafness; PEPPER SYNDROME. Identifiers: Orphanet 193, MedGen C0265223, MONDO:0008999, OMIM 216550.

Submission:

Labcorp Genetics (formerly Invitae), Labcorp
Classification: Uncertain significance for Cohen syndrome. Last evaluated: 2024-07-19. Review status: criteria provided, single submitter. Criteria: Invitae Variant Classification Sherloc (09022015). Collection method: clinical testing. Allele origin: germline.
Comment: This variant, c.9368_9370dup, results in the insertion of 1 amino acid(s) of the VPS13B protein (p.Pro3123dup), but otherwise preserves the integrity of the reading frame. This variant is present in population databases (no rsID available, gnomAD 0.002%). This variant has not been reported in the literature in individuals affected with VPS13B-related conditions. ClinVar contains an entry for this variant (Variation ID: 578538). Experimental studies and prediction algorithms are not available or were not evaluated, and the functional significance of this variant is currently unknown. In summary, the available evidence is currently insufficient to determine the role of this variant in disease. Therefore, it has been classified as a Variant of Uncertain Significance.

NM_152564.5(VPS13B):c.9293_9295dup (p.Pro3098dup)

Gene: VPS13B (vacuolar protein sorting 13 homolog B; plus strand). Cytogenetic location: 8q22.2.
Variant type: Duplication.
Coding change: c.9293_9295dup on transcript NM_152564.5 (MANE Select); coding-DNA positions 9293 to 9295, 3 bases duplicated (CAC; older notation c.9293_9295dupCAC).
Protein change: p.Pro3098dup; duplicates proline 3098.
Molecular consequence: inframe insertion.
Genome position (GRCh38, 1-based): chr8:99,823,941-99,823,943, CAC duplicated; duplicating any 3 consecutive bases within chr8:99,823,939-99,823,943 gives the same sequence; the c. name uses the placement nearest the transcript's 3' end. VCF-style (leftmost placement, unchanged base first): chr8-99823938-A-AACC. GRCh37 (hg19) VCF-style: chr8-100836166-A-AACC.
Other names: c.9368_9370dup, p.Pro3123dup (NM_017890.5); c.9368_9370dupCAC (NM_017890.4).
Identifiers: ClinVar variation 578538 (VCV000578538.10), dbSNP rs1182385860, ClinGen allele CA583855504.